The following is an entry in ClinVar:

NM_001042424.3(NSD2):c.2147C>A (p.Ser716Ter)

Gene: NSD2 (nuclear receptor binding SET domain protein 2; plus strand). Cytogenetic location: 4p16.3.
Variant type: single nucleotide variant.
Coding change: c.2147C>A on transcript NM_001042424.3 (MANE Select); coding-DNA position 2147, C replaced by A.
Protein change: p.Ser716Ter; replaces serine 716 with a stop codon.
Molecular consequence: nonsense.
Genome position (GRCh38, 1-based): chr4:1,953,333, C>A. VCF-style: chr4-1953333-C-A. GRCh37 (hg19) VCF-style: chr4-1955060-C-A.
Other names: c.2147C>A, p.Ser716Ter (NM_133330.3, NM_133331.3, NM_133335.4); short protein forms S716*.
Identifiers: ClinVar variation 1687476 (VCV001687476.1), dbSNP rs2108950399, ClinGen allele CA355986054.

ClinVar aggregate classification (germline): Likely pathogenic (1 of 4 stars; one submission).

Conditions:
Rauch-Steindl syndrome (RAUST). Identifiers: Orphanet 659642, MedGen C5562061, MONDO:0859219, OMIM 619695.

Submission:

3billion
Classification: Likely pathogenic for Rauch-Steindl syndrome. Last evaluated: 2022-05-22. Review status: criteria provided, single submitter. Criteria: ACMG Guidelines, 2015. Collection method: clinical testing. Allele origin: germline. Affected: yes. Observed: 1 heterozygote.
Comment: The variant is not observed in the gnomAD v2.1.1 dataset. Stop-gained (nonsense): predicted to result in a loss or disruption of normal protein function through nonsense-mediated decay (NMD) or protein truncation. Multiple pathogenic variants are reported downstream of the variant. Therefore, this variant is classified as likely pathogenic according to the recommendation of ACMG/AMP guideline.